The following is an entry in ClinVar:

ClinVar aggregate classification (germline): Uncertain significance. Review status: criteria provided, multiple submitters, no conflicts (2 of 4 stars). 6 submissions from 6 submitters: Uncertain significance (6). Last evaluated 2026-10-21.

Conditions:
Thrombocytopenia 5 (THC5). Also called: THROMBOCYTOPENIA 5 WITH INCREASED SUSCEPTIBILITY TO MALIGNANCY; THROMBOCYTOPENIA, AUTOSOMAL DOMINANT, 5. Identifiers: MedGen C4015537, MONDO:0014536, OMIM 616216.
ETV6-related disorder. Also called: ETV6-related condition.
Inborn genetic diseases. Identifiers: MedGen C0950123, MeSH D030342.

Allele frequency attached by ClinVar (database versions not stated): TOPMed 0.00002; gnomAD 0.00003; ExAC 0.00002; gnomAD exomes 0.00002.

Submissions (6):

GeneDx
Classification: Uncertain significance. Last evaluated: 2026-10-21. Review status: criteria provided, single submitter. Criteria: GeneDx Variant Classification Process June 2021. Collection method: clinical testing. Allele origin: germline.
Comment: In silico analysis suggests that this missense variant does not alter protein structure/function; Observed in individuals with personal or family history of acute leukemia and/or myelodysplastic syndrome (PMID: 26522332, 31102422, 33533142); This variant is associated with the following publications: (PMID: 26522332, 33533142, 31102422, 32693409, 37647632)

PreventionGenetics, part of Exact Sciences
Classification: Uncertain significance for ETV6-related condition. Last evaluated: 2026-09-11. Review status: criteria provided, single submitter. Criteria: ACMG Guidelines, 2015. Collection method: clinical testing. Allele origin: germline.
Comment: The ETV6 c.145C>T variant is predicted to result in the amino acid substitution p.Arg49Cys. This variant has been reported in individuals with acute lymphoblastic leukemia or myelodysplastic syndrome (Table S3, Moriyama et al. 2015. PubMed ID: 26522332; Table S1, de Smith et al. 2019. PubMed ID: 31102422; Nishii et al. 2021. PubMed ID: 32693409; Andrés-Zayas et al. 2021. PubMed ID: 33533142). This variant is reported in 0.030% of alleles in individuals of East Asian descent in gnomAD. At this time, the clinical significance of this variant is uncertain due to the absence of conclusive functional and genetic evidence.

Labcorp Genetics (formerly Invitae), Labcorp
Classification: Uncertain significance. Last evaluated: 2025-11-04. Review status: criteria provided, single submitter. Criteria: Invitae Variant Classification Sherloc (09022015). Collection method: clinical testing. Allele origin: germline.
Comment: This sequence change replaces arginine, which is basic and polar, with cysteine, which is neutral and slightly polar, at codon 49 of the ETV6 protein (p.Arg49Cys). This variant is present in population databases (rs768891310, gnomAD 0.03%). This missense change has been observed in individual(s) with myelodysplastic syndrome, leukemia (PMID: 26522332, 33533142). ClinVar contains an entry for this variant (Variation ID: 1810175). Invitae Evidence Modeling of protein sequence and biophysical properties (such as structural, functional, and spatial information, amino acid conservation, physicochemical variation, residue mobility, and thermodynamic stability) indicates that this missense variant is not expected to disrupt ETV6 protein function with a negative predictive value of 80%. In summary, the available evidence is currently insufficient to determine the role of this variant in disease. Therefore, it has been classified as a Variant of Uncertain Significance.

Ambry Genetics
Classification: Uncertain significance for Inborn genetic diseases. Last evaluated: 2025-09-15. Review status: criteria provided, single submitter. Criteria: Ambry Variant Classification Scheme 2023. Collection method: clinical testing. Allele origin: germline.
Comment: The p.R49C variant (also known as c.145C>T), located in coding exon 2 of the ETV6 gene, results from a C to T substitution at nucleotide position 145. The arginine at codon 49 is replaced by cysteine, an amino acid with highly dissimilar properties. This variant has been observed in at least one individual with a personal and/or family history that is consistent with ETV6-related thrombocytopenia(Andr&eacute;s-Zayas C et al; Mol Oncol 2021 Sep;15(9):2273-2284). This amino acid position is well conserved in available vertebrate species. In addition, this alteration is predicted to be tolerated by in silico analysis. Based on the available evidence, the clinical significance of this variant remains unclear.

St. Jude Molecular Pathology, St. Jude Children's Research Hospital
Classification: Uncertain significance for Thrombocytopenia 5. Last evaluated: 2025-06-17. Review status: criteria provided, single submitter. Criteria: St. Jude Assertion Criteria 2020. Collection method: clinical testing. Allele origin: germline.
Comment: The ETV6 c.145C>T p.(Arg49Cys) missense change has a maximum subpopulation frequency of 0.03% in gnomAD v2.1.1. The in silico tool REVEL predicts a benign effect on protein function, but to our knowledge this prediction has not been confirmed by functional studies. This variant has been reported in an individual with acute lymphoblastic leukemia (PMID: 26522332). In summary, the evidence currently available is insufficient to determine the clinical significance of this variant. It has therefore been classified as of uncertain significance.

Blueprint Genetics
Classification: Uncertain significance. Last evaluated: 2022-02-23. Review status: criteria provided, single submitter. Criteria: ACMG Guidelines, 2015. Collection method: clinical testing. Allele origin: germline.

Literature cited by the submitters: PubMed 26522332 (cited by Labcorp Genetics (formerly Invitae), Labcorp); PubMed 33533142 (cited by Labcorp Genetics (formerly Invitae), Labcorp).

NM_001987.5(ETV6):c.145C>T (p.Arg49Cys)

Gene: ETV6 (ETS variant transcription factor 6; plus strand). Cytogenetic location: 12p13.2.
Variant type: single nucleotide variant.
Coding change: c.145C>T on transcript NM_001987.5 (MANE Select); coding-DNA position 145, C replaced by T.
Protein change: p.Arg49Cys; replaces arginine 49 with cysteine.
Molecular consequence: missense variant.
Genome position (GRCh38, 1-based): chr12:11,752,561, C>T. VCF-style: chr12-11752561-C-T. GRCh37 (hg19) VCF-style: chr12-11905495-C-T.
Other names: c.142C>T, p.Arg48Cys (NM_001413913.1); c.118C>T, p.Arg40Cys (NM_001413914.1); c.145C>T, p.Arg49Cys (NM_001413916.1, NM_001413917.1, NM_001413918.1); short protein forms R40C, R48C, R49C.
Identifiers: ClinVar variation 1810175 (VCV001810175.12), dbSNP rs768891310, ClinGen allele CA6454127.